The following is an entry in ClinVar:

ClinVar aggregate classification (germline): Uncertain significance. Review status: criteria provided, multiple submitters, no conflicts (2 of 4 stars). 2 submissions from 2 submitters: Uncertain significance (2). Last evaluated 2022-06-24.

Conditions:
Inborn genetic diseases. Identifiers: MedGen C0950123, MeSH D030342.

Allele frequency attached by ClinVar (database versions not stated): ExAC 0.00001.
gnomAD v4.1: 6 of 1,614,204 alleles (0.00037%); highest among the groups gnomAD compares: Admixed American, 0.0083%; no homozygotes.

Submissions (2):

Labcorp Genetics (formerly Invitae), Labcorp
Classification: Uncertain significance. Last evaluated: 2022-06-24. Review status: criteria provided, single submitter. Criteria: Invitae Variant Classification Sherloc (09022015). Collection method: clinical testing. Allele origin: germline.
Comment: This sequence change replaces valine, which is neutral and non-polar, with phenylalanine, which is neutral and non-polar, at codon 277 of the COQ9 protein (p.Val277Phe). This variant is present in population databases (rs773083496, gnomAD 0.003%). This variant has not been reported in the literature in individuals affected with COQ9-related conditions. Algorithms developed to predict the effect of missense changes on protein structure and function are either unavailable or do not agree on the potential impact of this missense change (SIFT: "Deleterious"; PolyPhen-2: "Benign"; Align-GVGD: "Class C0"). In summary, the available evidence is currently insufficient to determine the role of this variant in disease. Therefore, it has been classified as a Variant of Uncertain Significance.

Ambry Genetics
Classification: Uncertain significance for Inborn genetic diseases. Last evaluated: 2022-01-04. Review status: criteria provided, single submitter. Criteria: Ambry Variant Classification Scheme 2023. Collection method: clinical testing. Allele origin: germline.

NM_020312.4(COQ9):c.829G>T (p.Val277Phe)

Gene: COQ9 (coenzyme Q9; plus strand). Cytogenetic location: 16q21.
Variant type: single nucleotide variant.
Coding change: c.829G>T on transcript NM_020312.4 (MANE Select); coding-DNA position 829, G replaced by T.
Protein change: p.Val277Phe; replaces valine 277 with phenylalanine.
Molecular consequence: missense variant.
Genome position (GRCh38, 1-based): chr16:57,459,682, G>T. VCF-style: chr16-57459682-G-T. GRCh37 (hg19) VCF-style: chr16-57493594-G-T.
Other names: c.829G>T (NM_020312.3); short protein forms V277F.
Identifiers: ClinVar variation 2179469 (VCV002179469.2), dbSNP rs773083496, ClinGen allele CA8076353.